The following is an entry in ClinVar:

NM_000368.5(TSC1):c.2167G>T (p.Val723Leu)

Gene: TSC1 (TSC complex subunit 1; minus strand). Cytogenetic location: 9q34.13.
Variant type: single nucleotide variant.
Coding change: c.2167G>T on transcript NM_000368.5 (MANE Select); coding-DNA position 2167, G replaced by T.
Protein change: p.Val723Leu; replaces valine 723 with leucine.
Molecular consequence: missense variant.
Genome position (GRCh38, 1-based): chr9:132,903,692, C>A on the plus strand (G>T on the coding strand, the complement: TSC1 is on the minus strand). VCF-style: chr9-132903692-C-A. GRCh37 (hg19) VCF-style: chr9-135779079-C-A.
Other names: c.2167G>T (NM_000368.4); c.2164G>T, p.Val722Leu (NM_001162426.2); c.2014G>T, p.Val672Leu (NM_001162427.2); c.1804G>T, p.Val602Leu (NM_001362177.2); short protein forms V722L, V723L, V672L, V602L.
Identifiers: ClinVar variation 1372864 (VCV001372864.9), dbSNP rs2131760345, ClinGen allele CA375360792.

ClinVar aggregate classification (germline): Uncertain significance. Review status: criteria provided, multiple submitters, no conflicts (2 of 4 stars). 2 submissions from 2 submitters: Uncertain significance (2). Last evaluated 2025-03-27.

Conditions:
Tuberous sclerosis 1 (TSC1). Identifiers: Orphanet 805, MedGen C1854465, MONDO:0008612, OMIM 191100.
Hereditary cancer-predisposing syndrome. Also called: Hereditary neoplastic syndrome; Hereditary Cancer Syndrome; Neoplastic Syndromes, Hereditary; Tumor predisposition. Identifiers: Orphanet 140162, MedGen C0027672, MeSH D009386, MONDO:0015356.

Submissions (2):

Ambry Genetics
Classification: Uncertain significance for Hereditary cancer-predisposing syndrome. Last evaluated: 2025-03-27. Review status: criteria provided, single submitter. Criteria: Ambry Variant Classification Scheme 2023. Collection method: clinical testing. Allele origin: germline.
Comment: The p.V723L variant (also known as c.2167G>T), located in coding exon 15 of the TSC1 gene, results from a G to T substitution at nucleotide position 2167. The valine at codon 723 is replaced by leucine, an amino acid with highly similar properties. This amino acid position is conserved. In addition, this alteration is predicted to be tolerated by in silico analysis. Based on the available evidence, the clinical significance of this variant remains unclear.

Labcorp Genetics (formerly Invitae), Labcorp
Classification: Uncertain significance for Tuberous sclerosis 1. Last evaluated: 2021-02-15. Review status: criteria provided, single submitter. Criteria: Invitae Variant Classification Sherloc (09022015). Collection method: clinical testing. Allele origin: germline.
Comment: This sequence change replaces valine with leucine at codon 723 of the TSC1 protein (p.Val723Leu). The valine residue is moderately conserved and there is a small physicochemical difference between valine and leucine. This variant is not present in population databases (ExAC no frequency). In summary, the available evidence is currently insufficient to determine the role of this variant in disease. Therefore, it has been classified as a Variant of Uncertain Significance. Algorithms developed to predict the effect of missense changes on protein structure and function (SIFT, PolyPhen-2, Align-GVGD) all suggest that this variant is likely to be tolerated, but these predictions have not been confirmed by published functional studies and their clinical significance is uncertain. This variant has not been reported in the literature in individuals with TSC1-related conditions.